The following is an entry in ClinVar:

ClinVar aggregate classification (germline): Uncertain significance. Review status: criteria provided, multiple submitters, no conflicts (2 of 4 stars). 2 submissions from 2 submitters: Uncertain significance (2). Last evaluated 2024-11-20.

Conditions:
Charcot-Marie-Tooth disease axonal type 2O. Also called: CHARCOT-MARIE-TOOTH NEUROPATHY, AXONAL, TYPE 2O; CHARCOT-MARIE-TOOTH DISEASE, AXONAL, AUTOSOMAL DOMINANT, TYPE 2O; Charcot-Marie-Tooth Neuropathy Type 2O; Charcot-Marie-Tooth disease, axonal, type 20. Identifiers: Orphanet 284232, MedGen C3280220, MONDO:0013644, OMIM 614228.

Submissions (2):

Labcorp Genetics (formerly Invitae), Labcorp
Classification: Uncertain significance for Charcot-Marie-Tooth disease axonal type 2O. Last evaluated: 2024-11-20. Review status: criteria provided, single submitter. Criteria: Invitae Variant Classification Sherloc (09022015). Collection method: clinical testing. Allele origin: germline.
Comment: This sequence change replaces alanine, which is neutral and non-polar, with threonine, which is neutral and polar, at codon 4227 of the DYNC1H1 protein (p.Ala4227Thr). This variant is not present in population databases (gnomAD no frequency). This variant has not been reported in the literature in individuals affected with DYNC1H1-related conditions. ClinVar contains an entry for this variant (Variation ID: 2169540). Invitae Evidence Modeling of protein sequence and biophysical properties (such as structural, functional, and spatial information, amino acid conservation, physicochemical variation, residue mobility, and thermodynamic stability) indicates that this missense variant is not expected to disrupt DYNC1H1 protein function with a negative predictive value of 95%. In summary, the available evidence is currently insufficient to determine the role of this variant in disease. Therefore, it has been classified as a Variant of Uncertain Significance.

GeneDx
Classification: Uncertain significance. Last evaluated: 2023-01-23. Review status: criteria provided, single submitter. Criteria: GeneDx Variant Classification Process June 2021. Collection method: clinical testing. Allele origin: germline. Affected: yes.
Comment: Not observed at significant frequency in large population cohorts (gnomAD); In silico analysis supports that this missense variant has a deleterious effect on protein structure/function; Has not been previously published as pathogenic or benign to our knowledge

NM_001376.5(DYNC1H1):c.12679G>A (p.Ala4227Thr)

Gene: DYNC1H1 (dynein cytoplasmic 1 heavy chain 1; plus strand). Cytogenetic location: 14q32.31.
Variant type: single nucleotide variant.
Coding change: c.12679G>A on transcript NM_001376.5 (MANE Select); coding-DNA position 12679, G replaced by A.
Protein change: p.Ala4227Thr; replaces alanine 4227 with threonine.
Molecular consequence: missense variant.
Genome position (GRCh38, 1-based): chr14:102,044,040, G>A. VCF-style: chr14-102044040-G-A. GRCh37 (hg19) VCF-style: chr14-102510377-G-A.
Other names: short protein forms A4227T.
Identifiers: ClinVar variation 2169540 (VCV002169540.5), dbSNP rs2503865998, ClinGen allele CA391042696.
Genomic context (GRCh38, chr14:102,044,040, plus strand): 5'-TTTGGAGAGTCTGACCTGCGGTCAGCTTGCGATACGGTGGACACGTGGCTGGATGACACG[G>A]CCAAGGCAAGTGTGGGCCATGCCAGGACAGACAGTGGACGTGTATCTGGGAAGGATGCTG-3'
Protein context (NP_001367.2, residues 4217-4237): DTVDTWLDDT[Ala4227Thr]KGRQNISPDK